The following is an entry in ClinVar:

ClinVar aggregate classification (germline): Uncertain significance (1 of 4 stars; one submission).

Conditions:
Growth hormone insensitivity with immune dysregulation 1, autosomal recessive. Also called: GROWTH HORMONE INSENSITIVITY DUE TO POSTRECEPTOR DEFECT; LARON SYNDROME DUE TO POSTRECEPTOR DEFECT; GROWTH HORMONE INSENSITIVITY SYNDROME WITH IMMUNE DYSREGULATION 1, AUTOSOMAL RECESSIVE; Laron syndrome with immunodeficiency. Identifiers: Orphanet 220465, MedGen C5435698, MONDO:0100211, OMIM 245590.

gnomAD v4.1: 8 of 1,613,718 alleles (0.0005%); highest among the groups gnomAD compares: Non-Finnish European, 0.00068%; no homozygotes.

Submission:

Labcorp Genetics (formerly Invitae), Labcorp
Classification: Uncertain significance for Growth hormone insensitivity with immune dysregulation 1, autosomal recessive. Last evaluated: 2025-12-24. Review status: criteria provided, single submitter. Criteria: Invitae Variant Classification Sherloc (09022015). Collection method: clinical testing. Allele origin: germline.
Comment: This sequence change replaces aspartic acid, which is acidic and polar, with glycine, which is neutral and non-polar, at codon 754 of the STAT5B protein (p.Asp754Gly). This variant is present in population databases (rs372909572, gnomAD 0.0009%). This variant has not been reported in the literature in individuals affected with STAT5B-related conditions. An algorithm developed to predict the effect of missense changes on protein structure and function (PolyPhen-2) suggests that this variant is likely to be tolerated. In summary, the available evidence is currently insufficient to determine the role of this variant in disease. Therefore, it has been classified as a Variant of Uncertain Significance.

NM_012448.4(STAT5B):c.2261A>G (p.Asp754Gly)

Gene: STAT5B (signal transducer and activator of transcription 5B; minus strand). Cytogenetic location: 17q21.2.
Variant type: single nucleotide variant.
Coding change: c.2261A>G on transcript NM_012448.4 (MANE Select); coding-DNA position 2261, A replaced by G.
Protein change: p.Asp754Gly; replaces aspartic acid 754 with glycine.
Molecular consequence: missense variant.
Genome position (GRCh38, 1-based): chr17:42,201,841, T>C on the plus strand (A>G on the coding strand, the complement: STAT5B is on the minus strand). VCF-style: chr17-42201841-T-C. GRCh37 (hg19) VCF-style: chr17-40353859-T-C.
Other names: short protein forms D754G.
Identifiers: ClinVar variation 4708263 (VCV004708263.1).